The following is an entry in ClinVar:

NM_000484.4(APP):c.1069C>G (p.Leu357Val)

Gene: APP (amyloid beta precursor protein; minus strand). Cytogenetic location: 21q21.3.
Variant type: single nucleotide variant.
Coding change: c.1069C>G on transcript NM_000484.4 (MANE Select); coding-DNA position 1069, C replaced by G.
Protein change: p.Leu357Val; replaces leucine 357 with valine.
Molecular consequence: missense variant. On other transcripts: intron variant (7).
Genome position (GRCh38, 1-based): chr21:25,997,381, G>C on the plus strand (C>G on the coding strand, the complement: APP is on the minus strand). VCF-style: chr21-25997381-G-C. GRCh37 (hg19) VCF-style: chr21-27369696-G-C.
Other names: c.901C>G, p.Leu301Val (NM_001136130.3, NM_001385253.1); c.1069C>G, p.Leu357Val (NM_001204301.2); c.761-14904C>G (NM_001136131.3); c.698-14904C>G (NM_001136129.3); c.866-14904C>G (NM_001204303.2, NM_201414.3); c.1033+2634C>G (NM_001204302.2, NM_201413.3); c.1018+2634C>G (NM_001136016.3); short protein forms L301V, L357V.
Identifiers: ClinVar variation 3902129 (VCV003902129.1).

ClinVar aggregate classification (germline): Uncertain significance (1 of 4 stars; one submission).

Submission:

Women's Health and Genetics/Laboratory Corporation of America, LabCorp
Classification: Uncertain significance. Last evaluated: 2025-05-19. Review status: criteria provided, single submitter. Criteria: LabCorp Variant Classification Summary - May 2015. Collection method: clinical testing. Allele origin: germline.
Comment: Variant summary: APP c.1069C>G (p.Leu357Val) results in a conservative amino acid change in the encoded protein sequence. Algorithms developed to predict the effect of missense changes on protein structure and function are either unavailable or do not agree on the potential impact of this missense change. The variant was absent in 251388 control chromosomes. The available data on variant occurrences in the general population are insufficient to allow any conclusion about variant significance. To our knowledge, no occurrence of c.1069C>G in individuals affected with Cerebral Amyloid Angiopathy, APP-Related and no experimental evidence demonstrating its impact on protein function have been reported. No submitters have cited clinical-significance assessments for this variant to ClinVar. Based on the evidence outlined above, the variant was classified as uncertain significance.